The following is an entry in ClinVar:

NM_004304.5(ALK):c.1817+2T>C

Gene: ALK (ALK receptor tyrosine kinase; minus strand). Cytogenetic location: 2p23.2.
Variant type: single nucleotide variant.
Coding change: c.1817+2T>C on transcript NM_004304.5 (MANE Select); the canonical splice donor site of the intron after coding-DNA position 1817, T replaced by C.
Molecular consequence: splice donor variant.
Genome position (GRCh38, 1-based): chr2:29,296,886, A>G on the plus strand (T>C on the coding strand, the complement: ALK is on the minus strand). VCF-style: chr2-29296886-A-G. GRCh37 (hg19) VCF-style: chr2-29519752-A-G.
Identifiers: ClinVar variation 4705663 (VCV004705663.1).

ClinVar aggregate classification (germline): Uncertain significance (1 of 4 stars; one submission).

Conditions:
Neuroblastoma, susceptibility to, 3. Also called: ALK-Related Neuroblastic Tumor Susceptibility. Identifiers: Orphanet 635, MedGen C2751681, MONDO:0013083, OMIM 613014.

Submission:

Labcorp Genetics (formerly Invitae), Labcorp
Classification: Uncertain significance for Neuroblastoma, susceptibility to, 3. Last evaluated: 2025-05-14. Review status: criteria provided, single submitter. Criteria: Invitae Variant Classification Sherloc (09022015). Collection method: clinical testing. Allele origin: germline.
Comment: This sequence change affects a donor splice site in intron 9 of the ALK gene. It is expected to disrupt RNA splicing. Variants that disrupt the donor or acceptor splice site typically lead to a loss of protein function (PMID: 16199547), however the current clinical and genetic evidence is not sufficient to establish whether loss-of-function variants in ALK cause disease. This variant is not present in population databases (gnomAD no frequency). This variant has not been reported in the literature in individuals affected with ALK-related conditions. Algorithms developed to predict the effect of sequence changes on RNA splicing suggest that this variant may disrupt the consensus splice site. In summary, the available evidence is currently insufficient to determine the role of this variant in disease. Therefore, it has been classified as a Variant of Uncertain Significance.

Literature cited by the submitters: PubMed 16199547.